The following is an entry in ClinVar:

ClinVar aggregate classification (germline): Uncertain significance (1 of 4 stars; one submission).

Conditions:
Autosomal recessive limb-girdle muscular dystrophy type 2K. Also called: MUSCULAR DYSTROPHY-DYSTROGLYCANOPATHY (LIMB-GIRDLE), TYPE C, 1; MUSCULAR DYSTROPHY, LIMB-GIRDLE, TYPE 2K. Identifiers: Orphanet 86812, MedGen C1836373, MONDO:0012248, OMIM 609308.
Walker-Warburg congenital muscular dystrophy. Also called: Muscular dystrophy-dystroglycanopathy, type A; Walker-Warburg syndrome. Identifiers: Orphanet 899, MedGen C0265221, MONDO:0000171.
Muscular dystrophy-dystroglycanopathy (congenital with impaired intellectual development), type B, 1. Also called: Muscular dystrophy-dystroglycanopathy (congenital with intellectual disability), type B1; MUSCULAR DYSTROPHY, CONGENITAL, POMT1-RELATED. Identifiers: MedGen C5436962, MONDO:0013159, OMIM 613155.

Allele frequency attached by ClinVar (database versions not stated): gnomAD exomes below 0.00001; ExAC 0.00001.
gnomAD v4.1: 2 of 1,610,406 alleles (0.00012%); highest among the groups gnomAD compares: South Asian, 0.0022%; no homozygotes.

Submission:

Labcorp Genetics (formerly Invitae), Labcorp
Classification: Uncertain significance for Muscular dystrophy-dystroglycanopathy (congenital with impaired intellectual development), type B, 1; Walker-Warburg congenital muscular dystrophy; Autosomal recessive limb-girdle muscular dystrophy type 2K. Last evaluated: 2023-10-03. Review status: criteria provided, single submitter. Criteria: Invitae Variant Classification Sherloc (09022015). Collection method: clinical testing. Allele origin: germline.
Comment: This sequence change replaces leucine, which is neutral and non-polar, with histidine, which is basic and polar, at codon 719 of the POMT1 protein (p.Leu719His). The frequency data for this variant in the population databases is considered unreliable, as metrics indicate poor data quality at this position in the gnomAD database. This missense change has been observed in individual(s) with clinical features of POMT1-related conditions (Invitae). In at least one individual the data is consistent with being in trans (on the opposite chromosome) from a pathogenic variant. ClinVar contains an entry for this variant (Variation ID: 581594). Advanced modeling of protein sequence and biophysical properties (such as structural, functional, and spatial information, amino acid conservation, physicochemical variation, residue mobility, and thermodynamic stability) has been performed at Invitae for this missense variant, however the output from this modeling did not meet the statistical confidence thresholds required to predict the impact of this variant on POMT1 protein function. In summary, the available evidence is currently insufficient to determine the role of this variant in disease. Therefore, it has been classified as a Variant of Uncertain Significance.

NM_001077365.2(POMT1):c.2090T>A (p.Leu697His)

Gene: POMT1 (protein O-mannosyltransferase 1; plus strand). Cytogenetic location: 9q34.13.
Variant type: single nucleotide variant.
Coding change: c.2090T>A on transcript NM_001077365.2 (MANE Select); coding-DNA position 2090, T replaced by A.
Protein change: p.Leu697His; replaces leucine 697 with histidine.
Molecular consequence: missense variant. On other transcripts: non-coding transcript variant (10).
Genome position (GRCh38, 1-based): chr9:131,523,018, T>A. VCF-style: chr9-131523018-T-A. GRCh37 (hg19) VCF-style: chr9-134398405-T-A.
Other names: c.1928T>A, p.Leu643His (NM_001077366.2, NM_001353194.2); c.2090T>A, p.Leu697His (NM_001136113.2); c.1739T>A, p.Leu580His (NM_001136114.2, NM_001353195.2, NM_001374691.1 and 2 more transcripts); c.2156T>A, p.Leu719His (NM_001353193.2, NM_007171.4); c.2000T>A, p.Leu667His (NM_001353196.2); c.1994T>A, p.Leu665His (NM_001353197.2, NM_001353198.2); c.1805T>A, p.Leu602His (NM_001353199.2); c.1634T>A, p.Leu545His (NM_001353200.2); and 3 more; short protein forms L719H, L545H, L643H, L580H, L667H, L602H, L665H, L697H.
Identifiers: ClinVar variation 581594 (VCV000581594.10), dbSNP rs753872714, ClinGen allele CA5293936.
Genomic context (GRCh38, chr9:131,523,018, plus strand): 5'-GCGCCCTGGTGGTGGCCTGGTACTCCTCCGCGTGCCACGTGTCCAACACGCTGCGCCCAC[T>A]CACCTACGGGGACAAGTCACTCTCGCCACATGAACTCAAGGCCCTTCGCTGGAAAGACAG-3'
Protein context (NP_001070833.1, residues 687-707): ACHVSNTLRP[Leu697His]TYGDKSLSPH